The following is an entry in ClinVar:

ClinVar aggregate classification (germline): Uncertain significance (1 of 4 stars; one submission).

Conditions:
Immunodeficiency, common variable, 2 (CVID2). Also called: ANTIBODY DEFICIENCY DUE TO TACI DEFECT; HYPOGAMMAGLOBULINEMIA DUE TO TACI DEFICIENCY. Identifiers: Orphanet 1572, MedGen C3150354, MONDO:0009413, OMIM 240500.

Allele frequency attached by ClinVar (database versions not stated): gnomAD 0.00001.
gnomAD v4.1: 7 of 1,613,038 alleles (0.00043%); highest among the groups gnomAD compares: East Asian, 0.0022%; no homozygotes.

Submission:

Labcorp Genetics (formerly Invitae), Labcorp
Classification: Uncertain significance for Immunodeficiency, common variable, 2. Last evaluated: 2021-07-21. Review status: criteria provided, single submitter. Criteria: Invitae Variant Classification Sherloc (09022015). Collection method: clinical testing. Allele origin: germline.
Comment: In summary, the available evidence is currently insufficient to determine the role of this variant in disease. Therefore, it has been classified as a Variant of Uncertain Significance. Nucleotide substitutions within the consensus splice site are a relatively common cause of aberrant splicing (PMID: 17576681, 9536098). Algorithms developed to predict the effect of sequence changes on RNA splicing suggest that this variant may disrupt the consensus splice site, but this prediction has not been confirmed by published transcriptional studies. Algorithms developed to predict the effect of missense changes on protein structure and function are either unavailable or do not agree on the potential impact of this missense change (SIFT: "Deleterious"; PolyPhen-2: "Possibly Damaging"; Align-GVGD: "Class C0"). This variant has not been reported in the literature in individuals with TNFRSF13B-related conditions. This variant is not present in population databases (ExAC no frequency). This sequence change replaces aspartic acid with histidine at codon 211 of the TNFRSF13B protein (p.Asp211His). The aspartic acid residue is moderately conserved and there is a moderate physicochemical difference between aspartic acid and histidine. This variant also falls at the last nucleotide of exon 4 of the TNFRSF13B coding sequence, which is part of the consensus splice site for this exon.

Literature cited by the submitters: PubMed 17576681; PubMed 9536098.

NM_012452.3(TNFRSF13B):c.631G>C (p.Asp211His)

Gene: TNFRSF13B (TNF receptor superfamily member 13B; minus strand). Cytogenetic location: 17p11.2.
Variant type: single nucleotide variant.
Coding change: c.631G>C on transcript NM_012452.3 (MANE Select); coding-DNA position 631, G replaced by C.
Protein change: p.Asp211His; replaces aspartic acid 211 with histidine.
Molecular consequence: missense variant.
Genome position (GRCh38, 1-based): chr17:16,940,326, C>G on the plus strand (G>C on the coding strand, the complement: TNFRSF13B is on the minus strand). VCF-style: chr17-16940326-C-G. GRCh37 (hg19) VCF-style: chr17-16843640-C-G.
Other names: short protein forms D211H.
Identifiers: ClinVar variation 860232 (VCV000860232.7), dbSNP rs955888263, ClinGen allele CA398519358.